The following is an entry in ClinVar:

ClinVar aggregate classification (germline): Uncertain significance (1 of 4 stars; one submission).

Allele frequency attached by ClinVar (database versions not stated): gnomAD exomes 0.00001 and 0.00002; ExAC 0.00002.
gnomAD v4.1: 11 of 1,613,818 alleles (0.00068%); highest among the groups gnomAD compares: East Asian, 0.0067%; no homozygotes.

Submission:

Labcorp Genetics (formerly Invitae), Labcorp
Classification: Uncertain significance. Last evaluated: 2025-06-30. Review status: criteria provided, single submitter. Criteria: Invitae Variant Classification Sherloc (09022015). Collection method: clinical testing. Allele origin: germline.
Comment: This sequence change replaces arginine, which is basic and polar, with histidine, which is basic and polar, at codon 1815 of the FAT4 protein (p.Arg1815His). This variant is present in population databases (rs774484692, gnomAD 0.01%). This variant has not been reported in the literature in individuals affected with FAT4-related conditions. ClinVar contains an entry for this variant (Variation ID: 1523998). Invitae Evidence Modeling of protein sequence and biophysical properties (such as structural, functional, and spatial information, amino acid conservation, physicochemical variation, residue mobility, and thermodynamic stability) indicates that this missense variant is expected to disrupt FAT4 protein function with a positive predictive value of 80%. In summary, the available evidence is currently insufficient to determine the role of this variant in disease. Therefore, it has been classified as a Variant of Uncertain Significance.

NM_001291303.3(FAT4):c.5444G>A (p.Arg1815His)

Gene: FAT4 (FAT atypical cadherin 4; plus strand). Cytogenetic location: 4q28.1.
Variant type: single nucleotide variant.
Coding change: c.5444G>A on transcript NM_001291303.3 (MANE Select); coding-DNA position 5444, G replaced by A.
Protein change: p.Arg1815His; replaces arginine 1815 with histidine.
Molecular consequence: missense variant.
Genome position (GRCh38, 1-based): chr4:125,407,016, G>A. VCF-style: chr4-125407016-G-A. GRCh37 (hg19) VCF-style: chr4-126328171-G-A.
Other names: c.5444G>A, p.Arg1815His (NM_001291285.3, NM_024582.6); short protein forms R1815H.
Identifiers: ClinVar variation 1523998 (VCV001523998.5), dbSNP rs774484692, ClinGen allele CA3072721.
Genomic context (GRCh38, chr4:125,407,016, plus strand): 5'-ATCTGATAGCAACCAGGCGGTTGGACAGGGAACGCCGCTCCAAATATTCACTGCTAGTTC[G>A]TGCTGATGATGGTCTTCAGTCCTCGGATATGAGAATTAATATCACTGTCAGTGATGTGAA-3'
Protein context (NP_001278232.1, residues 1805-1825): ERRSKYSLLV[Arg1815His]ADDGLQSSDM